The following is an entry in ClinVar:

NM_020745.4(AARS2):c.325G>T (p.Val109Leu)

Gene: AARS2 (alanyl-tRNA synthetase 2, mitochondrial; minus strand). Cytogenetic location: 6p21.1.
Variant type: single nucleotide variant.
Coding change: c.325G>T on transcript NM_020745.4 (MANE Select); coding-DNA position 325, G replaced by T.
Protein change: p.Val109Leu; replaces valine 109 with leucine.
Molecular consequence: missense variant.
Genome position (GRCh38, 1-based): chr6:44,312,182, C>A on the plus strand (G>T on the coding strand, the complement: AARS2 is on the minus strand). VCF-style: chr6-44312182-C-A. GRCh37 (hg19) VCF-style: chr6-44279919-C-A.
Other names: short protein forms V109L.
Identifiers: ClinVar variation 3252749 (VCV003252749.1), dbSNP rs747882284.
Genomic context (GRCh38, chr6:44,312,182, plus strand): 5'-TATGATGGGAAAGGTCTCGACCCACATCTTCCAGGTCGTTATGGTGTCCTCCAGCTCTCA[C>A]ACATTTCTGGCTGTTGGCCACACGTCGGAAGCCTGCCATCTCGCTTCGTGGATCCACGGT-3'
Protein context (NP_065796.2, residues 99-119): FRRVANSQKC[Val109Leu]RAGGHHNDLE

ClinVar aggregate classification (germline): Uncertain significance (1 of 4 stars; one submission).

Allele frequency attached by ClinVar (database versions not stated): gnomAD exomes below 0.00001; ExAC 0.00001; gnomAD 0.00001; TOPMed 0.00003.
gnomAD v4.1: 5 of 1,614,146 alleles (0.00031%); highest among the groups gnomAD compares: African/African-American, 0.0053%; no homozygotes.

Submission:

GeneDx
Classification: Uncertain significance. Last evaluated: 2023-04-22. Review status: criteria provided, single submitter. Criteria: GeneDx Variant Classification Process June 2021. Collection method: clinical testing. Allele origin: germline. Affected: yes.
Comment: Not observed at significant frequency in large population cohorts (gnomAD); In silico analysis supports that this missense variant does not alter protein structure/function; Has not been previously published as pathogenic or benign to our knowledge